The following is an entry in ClinVar:

ClinVar aggregate classification (germline): Uncertain significance (1 of 4 stars; one submission).

Allele frequency attached by ClinVar (database versions not stated): gnomAD exomes below 0.00001; TOPMed below 0.00001; ExAC 0.00001.
gnomAD v4.1: 4 of 1,613,958 alleles (0.00025%); highest among the groups gnomAD compares: Non-Finnish European, 0.00034%; no homozygotes.

Submission:

Labcorp Genetics (formerly Invitae), Labcorp
Classification: Uncertain significance. Last evaluated: 2022-08-23. Review status: criteria provided, single submitter. Criteria: Invitae Variant Classification Sherloc (09022015). Collection method: clinical testing. Allele origin: germline.
Comment: This sequence change replaces isoleucine, which is neutral and non-polar, with threonine, which is neutral and polar, at codon 437 of the SLC7A14 protein (p.Ile437Thr). This variant is present in population databases (rs780140003, gnomAD 0.0009%). This variant has not been reported in the literature in individuals affected with SLC7A14-related conditions. Algorithms developed to predict the effect of missense changes on protein structure and function (SIFT, PolyPhen-2, Align-GVGD) all suggest that this variant is likely to be tolerated. In summary, the available evidence is currently insufficient to determine the role of this variant in disease. Therefore, it has been classified as a Variant of Uncertain Significance.

NM_020949.3(SLC7A14):c.1310T>C (p.Ile437Thr)

Genes: SLC7A14 (solute carrier family 7 member 14; minus strand), SLC7A14-AS1 (SLC7A14 antisense RNA 1; plus strand). Cytogenetic location: 3q26.2.
Variant type: single nucleotide variant.
Coding change: c.1310T>C on transcript NM_020949.3 (MANE Select); coding-DNA position 1310, T replaced by C.
Protein change: p.Ile437Thr; replaces isoleucine 437 with threonine.
Molecular consequence: missense variant.
Genome position (GRCh38, 1-based): chr3:170,480,972, A>G on the plus strand (T>C on the coding strand, the complement: SLC7A14 is on the minus strand). VCF-style: chr3-170480972-A-G. GRCh37 (hg19) VCF-style: chr3-170198761-A-G.
Other names: short protein forms I437T.
Identifiers: ClinVar variation 1963077 (VCV001963077.5), dbSNP rs780140003, ClinGen allele CA2701643.